The following is an entry in ClinVar:

NM_001363711.2(DUOX2):c.70+1G>A

Gene: DUOX2 (dual oxidase 2; minus strand). Cytogenetic location: 15q21.1.
Variant type: single nucleotide variant.
Coding change: c.70+1G>A on transcript NM_001363711.2 (MANE Select); the canonical splice donor site of the intron after coding-DNA position 70, G replaced by A.
Molecular consequence: splice donor variant. On other transcripts: missense variant (1).
Genome position (GRCh38, 1-based): chr15:45,113,341, C>T on the plus strand (G>A on the coding strand, the complement: DUOX2 is on the minus strand). VCF-style: chr15-45113341-C-T. GRCh37 (hg19) VCF-style: chr15-45405539-C-T.
Other names: c.71G>A, p.Gly24Asp (NM_014080.5); short protein forms G24D.
Identifiers: ClinVar variation 3001039 (VCV003001039.1), dbSNP rs1261879325, ClinGen allele CA392280437.
Genomic context (GRCh38, chr15:45,113,341, plus strand): 5'-CCCGCCCCACCTCCCAGGGATCCTGGGGAACACCCCGCCGCTAGAGGAGCCTGATACTTG[C>T]CCGATGGACCCAGGGATCCAGTCAGAAGAGCTCCCAGGAGCATCAGTGCCTCTGGTCTTG-3'

ClinVar aggregate classification (germline): Uncertain significance (1 of 4 stars; one submission).

Allele frequency attached by ClinVar (database versions not stated): gnomAD exomes below 0.00001; TOPMed below 0.00001.
gnomAD v4.1: 2 of 1,559,920 alleles (0.00013%); highest among the groups gnomAD compares: Non-Finnish European, 0.00017%; no homozygotes.

Submission:

Labcorp Genetics (formerly Invitae), Labcorp
Classification: Uncertain significance. Last evaluated: 2023-04-06. Review status: criteria provided, single submitter. Criteria: Invitae Variant Classification Sherloc (09022015). Collection method: clinical testing. Allele origin: germline.
Comment: In summary, the available evidence is currently insufficient to determine the role of this variant in disease. Therefore, it has been classified as a Variant of Uncertain Significance. Algorithms developed to predict the effect of sequence changes on RNA splicing suggest that this variant may disrupt the consensus splice site. Advanced modeling of protein sequence and biophysical properties (such as structural, functional, and spatial information, amino acid conservation, physicochemical variation, residue mobility, and thermodynamic stability) performed at Invitae indicates that this missense variant is not expected to disrupt DUOX2 protein function. This variant has not been reported in the literature in individuals affected with DUOX2-related conditions. The frequency data for this variant in the population databases is considered unreliable, as metrics indicate poor data quality at this position in the gnomAD database. This sequence change replaces glycine, which is neutral and non-polar, with aspartic acid, which is acidic and polar, at codon 24 of the DUOX2 protein (p.Gly24Asp).